The following is an entry in ClinVar:

ClinVar aggregate classification (germline): Uncertain significance (1 of 4 stars; one submission).

Conditions:
Congenital sideroblastic anemia-B-cell immunodeficiency-periodic fever-developmental delay syndrome. Also called: Sideroblastic anemia with B-cell immunodeficiency, periodic fevers, and developmental delay. Identifiers: Orphanet 369861, MedGen C4015172, MONDO:0014487, OMIM 616084.

Submission:

Labcorp Genetics (formerly Invitae), Labcorp
Classification: Uncertain significance for Congenital sideroblastic anemia-B-cell immunodeficiency-periodic fever-developmental delay syndrome. Last evaluated: 2022-11-29. Review status: criteria provided, single submitter. Criteria: Invitae Variant Classification Sherloc (09022015). Collection method: clinical testing. Allele origin: germline.
Comment: This sequence change replaces phenylalanine, which is neutral and non-polar, with valine, which is neutral and non-polar, at codon 300 of the TRNT1 protein (p.Phe300Val). This variant is not present in population databases (gnomAD no frequency). This variant has not been reported in the literature in individuals affected with TRNT1-related conditions. ClinVar contains an entry for this variant (Variation ID: 863576). Advanced modeling of protein sequence and biophysical properties (such as structural, functional, and spatial information, amino acid conservation, physicochemical variation, residue mobility, and thermodynamic stability) performed at Invitae indicates that this missense variant is not expected to disrupt TRNT1 protein function. In summary, the available evidence is currently insufficient to determine the role of this variant in disease. Therefore, it has been classified as a Variant of Uncertain Significance.

NM_182916.3(TRNT1):c.898T>G (p.Phe300Val)

Gene: TRNT1 (tRNA nucleotidyl transferase 1; plus strand). Cytogenetic location: 3p26.2.
Variant type: single nucleotide variant.
Coding change: c.898T>G on transcript NM_182916.3 (MANE Select); coding-DNA position 898, T replaced by G.
Protein change: p.Phe300Val; replaces phenylalanine 300 with valine.
Molecular consequence: missense variant. On other transcripts: non-coding transcript variant (8).
Genome position (GRCh38, 1-based): chr3:3,147,545, T>G. VCF-style: chr3-3147545-T-G. GRCh37 (hg19) VCF-style: chr3-3189229-T-G.
Other names: c.838T>G, p.Phe280Val (NM_001302946.2); c.898T>G, p.Phe300Val (NM_001367321.1, NM_001367322.1, NM_001367323.1); short protein forms F300V, F280V.
Identifiers: ClinVar variation 863576 (VCV000863576.6), dbSNP rs1706126293, ClinGen allele CA351447594.
Genomic context (GRCh38, chr3:3,147,545, plus strand): 5'-AAAGTCAGTAAAAATGTTGATGGTTTTTCACCAAAGCCAGTGACTCTTTTGGCCTCATTA[T>G]TCAAAGTACAAGATGATGTCACAAAATTGGATTTGAGGTTGAAGATCGCAAAAGAGGAGA-3'
Protein context (NP_886552.3, residues 290-310): PKPVTLLASL[Phe300Val]KVQDDVTKLD